The following is an entry in ClinVar:

NM_001184.4(ATR):c.2933T>C (p.Ile978Thr)

Gene: ATR (ATR checkpoint kinase; minus strand). Cytogenetic location: 3q23.
Variant type: single nucleotide variant.
Coding change: c.2933T>C on transcript NM_001184.4 (MANE Select); coding-DNA position 2933, T replaced by C.
Protein change: p.Ile978Thr; replaces isoleucine 978 with threonine.
Molecular consequence: missense variant.
Genome position (GRCh38, 1-based): chr3:142,550,175, A>G on the plus strand (T>C on the coding strand, the complement: ATR is on the minus strand). VCF-style: chr3-142550175-A-G. GRCh37 (hg19) VCF-style: chr3-142269017-A-G.
Other names: c.2741T>C, p.Ile914Thr (NM_001354579.2); short protein forms I914T, I978T.
Identifiers: ClinVar variation 1797846 (VCV001797846.2), dbSNP rs2473366684, ClinGen allele CA354812710.
Genomic context (GRCh38, chr3:142,550,175, plus strand): 5'-TATATGTTGCAACTTACAGTAAGAAAACGATTAAGATCAGGAAAGTCGAAAACGTTGGCA[A>G]TTTCAGACAACGTATTTAAAGCCATTTCTCTCTGGTGAGCCACATCTTGTTTTCGCACGT-3'
Protein context (NP_001175.2, residues 968-988): REMALNTLSE[Ile978Thr]ANVFDFPDLN

ClinVar aggregate classification (germline): Uncertain significance (1 of 4 stars; one submission).

Conditions:
Inborn genetic diseases. Identifiers: MedGen C0950123, MeSH D030342.

Submission:

Ambry Genetics
Classification: Uncertain significance for Inborn genetic diseases. Last evaluated: 2022-09-26. Review status: criteria provided, single submitter. Criteria: Ambry Variant Classification Scheme 2023. Collection method: clinical testing. Allele origin: germline.
Comment: The p.I978T variant (also known as c.2933T>C), located in coding exon 14 of the ATR gene, results from a T to C substitution at nucleotide position 2933. The isoleucine at codon 978 is replaced by threonine, an amino acid with similar properties. This amino acid position is conserved. In addition, the in silico prediction for this alteration is inconclusive. Since supporting evidence is limited at this time, the clinical significance of this alteration remains unclear.